The following is an entry in ClinVar:

ClinVar aggregate classification (germline): Uncertain significance (1 of 4 stars; one submission).

Conditions:
Dilated cardiomyopathy 1KK (CMD1KK). Identifiers: Orphanet 154, Orphanet 75249, MedGen C3714995, MONDO:0014100, OMIM 615248.

gnomAD v4.1: 1 of 1,614,070 alleles (0.000062%); highest among the groups gnomAD compares: African/African-American, 0.0013%; no homozygotes.

Submission:

Labcorp Genetics (formerly Invitae), Labcorp
Classification: Uncertain significance for Dilated cardiomyopathy 1KK. Last evaluated: 2022-04-25. Review status: criteria provided, single submitter. Criteria: Invitae Variant Classification Sherloc (09022015). Collection method: clinical testing. Allele origin: germline.
Comment: This sequence change replaces threonine, which is neutral and polar, with isoleucine, which is neutral and non-polar, at codon 1211 of the MYPN protein (p.Thr1211Ile). This variant is not present in population databases (gnomAD no frequency). This variant has not been reported in the literature in individuals affected with MYPN-related conditions. Algorithms developed to predict the effect of missense changes on protein structure and function are either unavailable or do not agree on the potential impact of this missense change (SIFT: "Deleterious"; PolyPhen-2: "Probably Damaging"; Align-GVGD: "Class C0"). In summary, the available evidence is currently insufficient to determine the role of this variant in disease. Therefore, it has been classified as a Variant of Uncertain Significance.

NM_032578.4(MYPN):c.3632C>T (p.Thr1211Ile)

Gene: MYPN (myopalladin; plus strand). Cytogenetic location: 10q21.3.
Variant type: single nucleotide variant.
Coding change: c.3632C>T on transcript NM_032578.4 (MANE Select); coding-DNA position 3632, C replaced by T.
Protein change: p.Thr1211Ile; replaces threonine 1211 with isoleucine.
Molecular consequence: missense variant. On other transcripts: non-coding transcript variant (2).
Genome position (GRCh38, 1-based): chr10:68,201,967, C>T. VCF-style: chr10-68201967-C-T. GRCh37 (hg19) VCF-style: chr10-69961724-C-T.
Other names: c.3632C>T, p.Thr1211Ile (NM_001256267.2); c.2750C>T, p.Thr917Ile (NM_001256268.2); short protein forms T917I, T1211I.
Identifiers: ClinVar variation 2130126 (VCV002130126.2), dbSNP rs2043722750, ClinGen allele CA376860309.